The following is an entry in ClinVar:

ClinVar aggregate classification (germline): Uncertain significance (1 of 4 stars; one submission).

gnomAD v4.1: 2 of 1,614,004 alleles (0.00012%); highest among the groups gnomAD compares: African/African-American, 0.0013%; no homozygotes.

Submission:

Ambry Genetics
Classification: Uncertain significance. Last evaluated: 2024-06-05. Review status: criteria provided, single submitter. Criteria: Ambry Variant Classification Scheme 2023. Collection method: clinical testing. Allele origin: germline.
Comment: The p.K286N variant (also known as c.858G>T), located in coding exon 1 of the EGLN1 gene, results from a G to T substitution at nucleotide position 858. The lysine at codon 286 is replaced by asparagine, an amino acid with similar properties. This amino acid position is conserved. In addition, this alteration is predicted to be tolerated by in silico analysis. Based on the available evidence, the clinical significance of this variant remains unclear.

NM_022051.3(EGLN1):c.858G>T (p.Lys286Asn)

Genes: EGLN1 (egl-9 family hypoxia inducible factor 1; minus strand), LOC129932769 (ATAC-STARR-seq lymphoblastoid active region 2730; plus strand). Cytogenetic location: 1q42.2.
Variant type: single nucleotide variant.
Coding change: c.858G>T on transcript NM_022051.3 (MANE Select); coding-DNA position 858, G replaced by T.
Protein change: p.Lys286Asn; replaces lysine 286 with asparagine.
Molecular consequence: missense variant.
Genome position (GRCh38, 1-based): chr1:231,421,031, C>A on the plus strand (G>T on the coding strand, the complement: EGLN1 is on the minus strand). VCF-style: chr1-231421031-C-A. GRCh37 (hg19) VCF-style: chr1-231556777-C-A.
Other names: c.858G>T, p.Lys286Asn (NM_001377260.1, NM_001377261.1); short protein forms K286N.
Identifiers: ClinVar variation 3274761 (VCV003274761.1).